The following is an entry in ClinVar:

ClinVar aggregate classification (germline): Uncertain significance (1 of 4 stars; one submission).

Submission:

GeneDx
Classification: Uncertain significance. Last evaluated: 2020-02-06. Review status: criteria provided, single submitter. Criteria: GeneDx Variant Classification Process June 2021. Collection method: clinical testing. Allele origin: germline. Affected: yes.
Comment: Has not been previously published as pathogenic or benign to our knowledge; Not observed in large population cohorts (Lek et al., 2016); In silico analysis supports that this missense variant has a deleterious effect on protein structure/function; Variants in candidate genes are classified as variants of uncertain significance in accordance with ACMG guidelines (Richards et al., 2015)

NM_020706.2(SCAF4):c.464C>T (p.Pro155Leu)

Gene: SCAF4 (SR-related CTD associated factor 4; minus strand). Cytogenetic location: 21q22.11.
Variant type: single nucleotide variant.
Coding change: c.464C>T on transcript NM_020706.2 (MANE Select); coding-DNA position 464, C replaced by T.
Protein change: p.Pro155Leu; replaces proline 155 with leucine.
Molecular consequence: missense variant.
Genome position (GRCh38, 1-based): chr21:31,701,912, G>A on the plus strand (C>T on the coding strand, the complement: SCAF4 is on the minus strand). VCF-style: chr21-31701912-G-A. GRCh37 (hg19) VCF-style: chr21-33074225-G-A.
Other names: c.419C>T, p.Pro140Leu (NM_001145444.1); c.464C>T, p.Pro155Leu (NM_001145445.1); short protein forms P140L, P155L.
Identifiers: ClinVar variation 1320423 (VCV001320423.2), dbSNP rs2123583796, ClinGen allele CA410050531.
Genomic context (GRCh38, chr21:31,701,912, plus strand): 5'-GGGACGGAGTTTGGAGTGGCTTGTGTGGGAGGTTCAGAAGAAACTTTTACTGGAGGTGGA[G>A]GTGAGCCTAAAAAAGAAAAGGGCATTAAGGCCTAAAAAAAAAGTTAACCTACAAGTTTTC-3'
Protein context (NP_065757.1, residues 145-165): AENVTNNEGS[Pro155Leu]PPPVKVSSEP